The following is an entry in ClinVar:

NM_001369.3(DNAH5):c.13609G>T (p.Gly4537Cys)

Gene: DNAH5 (dynein axonemal heavy chain 5; minus strand). Cytogenetic location: 5p15.2.
Variant type: single nucleotide variant.
Coding change: c.13609G>T on transcript NM_001369.3 (MANE Select); coding-DNA position 13609, G replaced by T.
Protein change: p.Gly4537Cys; replaces glycine 4537 with cysteine.
Molecular consequence: missense variant.
Genome position (GRCh38, 1-based): chr5:13,700,754, C>A on the plus strand (G>T on the coding strand, the complement: DNAH5 is on the minus strand). VCF-style: chr5-13700754-C-A. GRCh37 (hg19) VCF-style: chr5-13700863-C-A.
Other names: short protein forms G4537C.
Identifiers: ClinVar variation 855638 (VCV000855638.7), dbSNP rs1741988812, ClinGen allele CA359191489.
Genomic context (GRCh38, chr5:13,700,754, plus strand): 5'-GCTTTGATTCAATGAGTTTCATGTTCCTCTTGTCCCAGCCAGCACCTTCAAGATATAAGC[C>A]ATAGACATAGACACCCTCTGTGGGAGGGGCAGAAATGTCGTCCTTCATCCATTTGGTGAC-3'
Protein context (NP_001360.1, residues 4527-4547): APPTEGVYVY[Gly4537Cys]LYLEGAGWDK

ClinVar aggregate classification (germline): Uncertain significance (1 of 4 stars; one submission).

Conditions:
Primary ciliary dyskinesia. Also called: Ciliary dyskinesia. Identifiers: Orphanet 244, MedGen C0008780, MONDO:0016575, HP:0012265.

Submission:

Labcorp Genetics (formerly Invitae), Labcorp
Classification: Uncertain significance for Primary ciliary dyskinesia. Last evaluated: 2022-07-12. Review status: criteria provided, single submitter. Criteria: Invitae Variant Classification Sherloc (09022015). Collection method: clinical testing. Allele origin: germline.
Comment: This sequence change replaces glycine, which is neutral and non-polar, with cysteine, which is neutral and slightly polar, at codon 4537 of the DNAH5 protein (p.Gly4537Cys). This variant is not present in population databases (gnomAD no frequency). This variant has not been reported in the literature in individuals affected with DNAH5-related conditions. ClinVar contains an entry for this variant (Variation ID: 855638). Advanced modeling of protein sequence and biophysical properties (such as structural, functional, and spatial information, amino acid conservation, physicochemical variation, residue mobility, and thermodynamic stability) performed at Invitae indicates that this missense variant is expected to disrupt DNAH5 protein function. Algorithms developed to predict the effect of sequence changes on RNA splicing suggest that this variant may create or strengthen a splice site. In summary, the available evidence is currently insufficient to determine the role of this variant in disease. Therefore, it has been classified as a Variant of Uncertain Significance.